The following is an entry in ClinVar:

ClinVar aggregate classification (germline): Uncertain significance (1 of 4 stars; one submission).

Allele frequency attached by ClinVar (database versions not stated): gnomAD 0.00001; TOPMed 0.00001.
gnomAD v4.1: 1 of 1,613,832 alleles (0.000062%); highest among the groups gnomAD compares: African/African-American, 0.0013%; no homozygotes.

Submission:

GeneDx
Classification: Uncertain significance. Last evaluated: 2022-02-21. Review status: criteria provided, single submitter. Criteria: GeneDx Variant Classification Process June 2021. Collection method: clinical testing. Allele origin: germline. Affected: yes.
Comment: Not observed at significant frequency in large population cohorts (gnomAD); In silico analysis supports that this missense variant does not alter protein structure/function; Has not been previously published as pathogenic or benign to our knowledge

NM_001999.4(FBN2):c.6526C>T (p.Leu2176Phe)

Gene: FBN2 (fibrillin 2; minus strand). Cytogenetic location: 5q23.3.
Variant type: single nucleotide variant.
Coding change: c.6526C>T on transcript NM_001999.4 (MANE Select); coding-DNA position 6526, C replaced by T.
Protein change: p.Leu2176Phe; replaces leucine 2176 with phenylalanine.
Molecular consequence: missense variant.
Genome position (GRCh38, 1-based): chr5:128,289,238, G>A on the plus strand (C>T on the coding strand, the complement: FBN2 is on the minus strand). VCF-style: chr5-128289238-G-A. GRCh37 (hg19) VCF-style: chr5-127624930-G-A.
Other names: short protein forms L2176F.
Identifiers: ClinVar variation 1703342 (VCV001703342.2), dbSNP rs1043104562, ClinGen allele CA127033445.